The following is an entry in ClinVar:

ClinVar aggregate classification (germline): Uncertain significance. Review status: criteria provided, multiple submitters, no conflicts (2 of 4 stars). 2 submissions from 2 submitters: Uncertain significance (2). Last evaluated 2025-10-06.

Conditions:
Cerebral palsy, spastic quadriplegic, 2 (CPSQ2). Identifiers: Orphanet 210141, MedGen C2752061, MONDO:0013033, OMIM 612900.

Submissions (2):

Labcorp Genetics (formerly Invitae), Labcorp
Classification: Uncertain significance. Last evaluated: 2025-10-06. Review status: criteria provided, single submitter. Criteria: Invitae Variant Classification Sherloc (09022015). Collection method: clinical testing. Allele origin: germline.
Comment: This variant, c.593_595del, results in the deletion of 1 amino acid(s) of the KANK1 protein (p.Ser198del), but otherwise preserves the integrity of the reading frame. This variant is present in population databases (rs781727306, gnomAD 0.03%). This variant has not been reported in the literature in individuals affected with KANK1-related conditions. Experimental studies and prediction algorithms are not available or were not evaluated, and the functional significance of this variant is currently unknown. In summary, the available evidence is currently insufficient to determine the role of this variant in disease. Therefore, it has been classified as a Variant of Uncertain Significance.

Fulgent Genetics
Classification: Uncertain significance for Cerebral palsy, spastic quadriplegic, 2. Last evaluated: 2021-12-23. Review status: criteria provided, single submitter. Criteria: ACMG Guidelines, 2015. Collection method: clinical testing. Allele origin: unknown.

NM_015158.5(KANK1):c.590CTT[1] (p.Ser198del)

Gene: KANK1 (KN motif and ankyrin repeat domains 1; plus strand). Cytogenetic location: 9p24.3.
Variant type: Microsatellite.
Coding change: c.590CTT[1] on transcript NM_015158.5 (MANE Select); one copy of the 3-base unit CTT starting at c.590; the reference has two copies in a row; one copy, 3 bases deleted; also written c.593_595del.
Protein change: p.Ser198del; deletes serine 198.
Molecular consequence: inframe deletion. On other transcripts: non-coding transcript variant (1).
Genome position (GRCh38, 1-based): chr9:711,359-711,361, CTT deleted; deleting any 3 consecutive bases within chr9:711,356-711,361 gives the same sequence; the position shown is the placement nearest the transcript's 3' end. VCF-style (leftmost placement, unchanged base first): chr9-711355-CCTT-C. GRCh37 (hg19) VCF-style: chr9-711355-CCTT-C.
Other names: c.590CTT[1], p.Ser198del (NM_001256876.3, NM_001256877.3, NM_001354331.2 and 2 more transcripts); c.116CTT[1], p.Ser40del (NM_001354333.2, NM_001354335.2, NM_001354336.2 and 9 more transcripts); c.593_595del (NM_015158.5); short protein forms S198del, S40del.
Identifiers: ClinVar variation 1518904 (VCV001518904.7), dbSNP rs781727306, ClinGen allele CA4959987.
Genomic context (GRCh38, chr9:711,355, plus strand): 5'-GGTGAGTTCAGAAGGCCCAGGCTGGCCAGTTTTGGAGGCATGGGCACCACAAGCTCCCTC[CCTT>C]CTTTTGTGGGTTCTGGAAACCACAATCCTGCCAAGCACCAGCTTCAGAATGGATACCAAG-3'